The following is an entry in ClinVar:

NM_001048174.2(MUTYH):c.1526T>A (p.Ile509Asn)

Gene: MUTYH (mutY DNA glycosylase; minus strand). Cytogenetic location: 1p34.1.
Variant type: single nucleotide variant.
Coding change: c.1526T>A on transcript NM_001048174.2 (MANE Select); coding-DNA position 1526, T replaced by A.
Protein change: p.Ile509Asn; replaces isoleucine 509 with asparagine.
Molecular consequence: missense variant. On other transcripts: non-coding transcript variant (2).
Genome position (GRCh38, 1-based): chr1:45,329,346, A>T on the plus strand (T>A on the coding strand, the complement: MUTYH is on the minus strand). VCF-style: chr1-45329346-A-T. GRCh37 (hg19) VCF-style: chr1-45795018-A-T.
Other names: c.1526T>A, p.Ile509Asn (NM_001048171.2, NM_001048173.2, NM_001293195.2 and 6 more transcripts); c.1529T>A, p.Ile510Asn (NM_001048172.2, NM_001407071.1, NM_001407078.1 and 1 more transcripts); c.1610T>A, p.Ile537Asn (NM_001128425.2); c.1571T>A, p.Ile524Asn (NM_001293190.2); c.1559T>A, p.Ile520Asn (NM_001293191.2, NM_001407069.1, NM_001407077.1); c.1250T>A, p.Ile417Asn (NM_001293192.2, NM_001293196.2, NM_001407091.1); c.1181T>A, p.Ile394Asn (NM_001350650.2, NM_001350651.2, NM_001407082.1); c.1442T>A, p.Ile481Asn (NM_001407075.1); and 5 more; short protein forms I496N, I534N, I523N, I537N, I417N, I495N, I516N, I524N.
Identifiers: ClinVar variation 2190107 (VCV002190107.5), dbSNP rs2523734361, ClinGen allele CA340131596.

ClinVar aggregate classification (germline): Uncertain significance. Review status: criteria provided, multiple submitters, no conflicts (2 of 4 stars). 2 submissions from 2 submitters: Uncertain significance (2). Last evaluated 2025-08-27.

Conditions:
Hereditary cancer-predisposing syndrome. Also called: Neoplastic Syndromes, Hereditary; Tumor predisposition; Hereditary Cancer Syndrome; Hereditary neoplastic syndrome. Identifiers: Orphanet 140162, MedGen C0027672, MeSH D009386, MONDO:0015356.
Familial adenomatous polyposis 2. Also called: Adenomas, multiple colorectal; COLORECTAL ADENOMATOUS POLYPOSIS, AUTOSOMAL RECESSIVE; ADENOMAS, MULTIPLE COLORECTAL, AUTOSOMAL RECESSIVE; FAP type 2; MYH-associated polyposis; MUTYH-associated polyposis. Identifiers: Orphanet 220460, Orphanet 247798, MedGen C3272841, MONDO:0012041, OMIM 608456.

Allele frequency attached by ClinVar (database versions not stated): gnomAD exomes below 0.00001.

Submissions (2):

Ambry Genetics
Classification: Uncertain significance for Hereditary cancer-predisposing syndrome. Last evaluated: 2025-08-27. Review status: criteria provided, single submitter. Criteria: Ambry Variant Classification Scheme 2023. Collection method: clinical testing. Allele origin: germline.
Comment: The p.I537N variant (also known as c.1610T>A), located in coding exon 16 of the MUTYH gene, results from a T to A substitution at nucleotide position 1610. The isoleucine at codon 537 is replaced by asparagine, an amino acid with dissimilar properties. This amino acid position is conserved. In addition, this alteration is predicted to be tolerated by in silico analysis. Based on the available evidence, the clinical significance of this variant remains unclear.

Labcorp Genetics (formerly Invitae), Labcorp
Classification: Uncertain significance for Familial adenomatous polyposis 2. Last evaluated: 2022-05-04. Review status: criteria provided, single submitter. Criteria: Invitae Variant Classification Sherloc (09022015). Collection method: clinical testing. Allele origin: germline.
Comment: In summary, the available evidence is currently insufficient to determine the role of this variant in disease. Therefore, it has been classified as a Variant of Uncertain Significance. This sequence change replaces isoleucine, which is neutral and non-polar, with asparagine, which is neutral and polar, at codon 537 of the MUTYH protein (p.Ile537Asn). This variant is not present in population databases (gnomAD no frequency). This variant has not been reported in the literature in individuals affected with MUTYH-related conditions. Algorithms developed to predict the effect of missense changes on protein structure and function output the following: SIFT: "Tolerated"; PolyPhen-2: "Benign"; Align-GVGD: "Class C0". The asparagine amino acid residue is found in multiple mammalian species, which suggests that this missense change does not adversely affect protein function.